The following is an entry in ClinVar:

ClinVar aggregate classification (germline): Pathogenic (1 of 4 stars; one submission).

Conditions:
Familial cancer of breast. Also called: hereditary breast carcinoma; Hereditary breast cancer; BREAST CANCER, FAMILIAL. Identifiers: Orphanet 227535, MedGen C0346153, MONDO:0016419, OMIM 114480. Disease mechanism: loss of function.

Submission:

Labcorp Genetics (formerly Invitae), Labcorp
Classification: Pathogenic for Familial cancer of breast. Last evaluated: 2019-12-05. Review status: criteria provided, single submitter. Criteria: Invitae Variant Classification Sherloc (09022015). Collection method: clinical testing. Allele origin: germline.
Comment: For these reasons, this variant has been classified as Pathogenic. Loss-of-function variants in CHEK2 are known to be pathogenic (PMID: 21876083, 24713400). This variant has not been reported in the literature in individuals with CHEK2-related conditions. This variant is not present in population databases (ExAC no frequency). This sequence change creates a premature translational stop signal (p.Asn316Lysfs*4) in the CHEK2 gene. It is expected to result in an absent or disrupted protein product.

Literature cited by the submitters: PubMed 21876083; PubMed 24713400.

NM_007194.4(CHEK2):c.948del (p.Asn316fs)

Gene: CHEK2 (checkpoint kinase 2; minus strand). Cytogenetic location: 22q12.1.
Variant type: Deletion.
Coding change: c.948del on transcript NM_007194.4 (MANE Select); coding-DNA position 948, one base deleted (T; older notation c.948delT).
Protein change: p.Asn316fs; shifts the reading frame from asparagine 316.
Molecular consequence: frameshift variant.
Genome position (GRCh38, 1-based): chr22:28,699,898, A deleted on the plus strand (T on the coding strand, the reverse complement: CHEK2 is on the minus strand). VCF-style (leftmost placement, unchanged base first): chr22-28699897-TA-T. GRCh37 (hg19) VCF-style: chr22-29095885-TA-T.
Other names: c.1077delT, p.Asn359Lysfs (NM_001005735.3); c.285delT, p.Asn95Lysfs (NM_001257387.3); c.747delT, p.Asn249Lysfs (NM_001349956.3); c.948delT, p.Asn316Lysfs (NM_145862.3); short protein forms N95fs, N249fs, N359fs, N316fs.
Identifiers: ClinVar variation 848057 (VCV000848057.8), dbSNP rs2052765413, ClinGen allele CA916083801.